The following is an entry in ClinVar:

ClinVar aggregate classification (germline): Uncertain significance (1 of 4 stars; one submission).

gnomAD v4.1: 2 of 1,614,108 alleles (0.00012%); highest among the groups gnomAD compares: South Asian, 0.0011%; no homozygotes.

Submission:

CeGaT Center for Human Genetics Tuebingen
Classification: Uncertain significance. Last evaluated: 2023-07-01. Review status: criteria provided, single submitter. Criteria: CeGaT Center For Human Genetics Tuebingen Variant Classification Criteria Version 2. Collection method: clinical testing. Allele origin: germline. Affected: yes. Observed: 1 variant allele.
Comment: SHANK2: PM2, BP4

NM_012309.5(SHANK2):c.2933G>T (p.Arg978Leu)

Gene: SHANK2 (SH3 and multiple ankyrin repeat domains 2; minus strand). Cytogenetic location: 11q13.3.
Variant type: single nucleotide variant.
Coding change: c.2933G>T on transcript NM_012309.5 (MANE Select); coding-DNA position 2933, G replaced by T.
Protein change: p.Arg978Leu; replaces arginine 978 with leucine.
Molecular consequence: missense variant.
Genome position (GRCh38, 1-based): chr11:70,487,360, C>A on the plus strand (G>T on the coding strand, the complement: SHANK2 is on the minus strand). VCF-style: chr11-70487360-C-A. GRCh37 (hg19) VCF-style: chr11-70333465-C-A.
Other names: c.1796G>T, p.Arg599Leu (NM_001379226.1); c.1169G>T, p.Arg390Leu (NM_133266.5); short protein forms R390L, R599L, R978L.
Identifiers: ClinVar variation 2642083 (VCV002642083.24), dbSNP rs782619633, ClinGen allele CA381688505.